The following is an entry in ClinVar:

NM_000095.3(COMP):c.2208C>A (p.Asn736Lys)

Gene: COMP (cartilage oligomeric matrix protein; minus strand). Cytogenetic location: 19p13.11.
Variant type: single nucleotide variant.
Coding change: c.2208C>A on transcript NM_000095.3 (MANE Select); coding-DNA position 2208, C replaced by A.
Protein change: p.Asn736Lys; replaces asparagine 736 with lysine.
Molecular consequence: missense variant.
Genome position (GRCh38, 1-based): chr19:18,783,073, G>T on the plus strand (C>A on the coding strand, the complement: COMP is on the minus strand). VCF-style: chr19-18783073-G-T. GRCh37 (hg19) VCF-style: chr19-18893883-G-T.
Other names: short protein forms N736K.
Identifiers: ClinVar variation 2091390 (VCV002091390.4), dbSNP rs2512842838, ClinGen allele CA404874923.
Genomic context (GRCh38, chr19:18,783,073, plus strand): 5'-GTGCAGACTCCCCGCCCACGGCCCGCTGGCCCTCGGCTCACCATTGCAGCGGTAACGCAG[G>T]TTGGCCCAGATGATGTTCTCCTGGGAGAAGCAGAAGACCCCCAGGCGGCCACCCCGCATG-3'
Protein context (NP_000086.2, residues 726-746): CFSQENIIWA[Asn736Lys]LRYRCNDTIP

ClinVar aggregate classification (germline): Uncertain significance (1 of 4 stars; one submission).

Submission:

Labcorp Genetics (formerly Invitae), Labcorp
Classification: Uncertain significance. Last evaluated: 2022-07-19. Review status: criteria provided, single submitter. Criteria: Invitae Variant Classification Sherloc (09022015). Collection method: clinical testing. Allele origin: germline.
Comment: This sequence change replaces asparagine, which is neutral and polar, with lysine, which is basic and polar, at codon 736 of the COMP protein (p.Asn736Lys). This variant is not present in population databases (gnomAD no frequency). This variant has not been reported in the literature in individuals affected with COMP-related conditions. Advanced modeling of protein sequence and biophysical properties (such as structural, functional, and spatial information, amino acid conservation, physicochemical variation, residue mobility, and thermodynamic stability) performed at Invitae indicates that this missense variant is expected to disrupt COMP protein function. In summary, the available evidence is currently insufficient to determine the role of this variant in disease. Therefore, it has been classified as a Variant of Uncertain Significance.